The following is an entry in ClinVar:

ClinVar aggregate classification (germline): Uncertain significance (1 of 4 stars; one submission).

Conditions:
Familial thoracic aortic aneurysm and aortic dissection (TAAD). Also called: Thoracic aortic aneurysms and dissections. Identifiers: Orphanet 91387, MedGen C4707243, MONDO:0019625.

Submission:

Color Diagnostics, LLC DBA Color Health
Classification: Uncertain significance for Familial thoracic aortic aneurysm and aortic dissection. Last evaluated: 2024-03-10. Review status: criteria provided, single submitter. Criteria: ACMG Guidelines, 2015. Collection method: clinical testing. Allele origin: germline.
Comment: This missense variant replaces aspartic acid with valine at codon 464 of the COL3A1 protein. Computational prediction suggests that this variant may not impact protein structure and function (internally defined REVEL score threshold <= 0.5, PMID: 27666373). To our knowledge, functional studies have not been reported for this variant. This variant has not been reported in individuals affected with COL3A1-related disorders in the literature. This variant has not been identified in the general population by the Genome Aggregation Database (gnomAD). The available evidence is insufficient to determine the role of this variant in disease conclusively. Therefore, this variant is classified as a Variant of Uncertain Significance.

NM_000090.4(COL3A1):c.1391A>T (p.Asp464Val)

Gene: COL3A1 (collagen type III alpha 1 chain; plus strand). Cytogenetic location: 2q32.2.
Variant type: single nucleotide variant.
Coding change: c.1391A>T on transcript NM_000090.4 (MANE Select); coding-DNA position 1391, A replaced by T.
Protein change: p.Asp464Val; replaces aspartic acid 464 with valine.
Molecular consequence: missense variant.
Genome position (GRCh38, 1-based): chr2:188,994,767, A>T. VCF-style: chr2-188994767-A-T. GRCh37 (hg19) VCF-style: chr2-189859493-A-T.
Other names: short protein forms D464V.
Identifiers: ClinVar variation 3894322 (VCV003894322.1).